The following is an entry in ClinVar:

ClinVar aggregate classification (germline): Conflicting classifications of pathogenicity. Review status: criteria provided, conflicting classifications (1 of 4 stars). 2 submissions from 2 submitters: Uncertain significance (1); Benign (1). Last evaluated 2026-01-03.

Conditions:
Tuberous sclerosis syndrome (TSC). Also called: Tuberous sclerosis; Tuberous Sclerosis Complex. Identifiers: Orphanet 805, MedGen C0041341, MONDO:0001734.
Tuberous sclerosis 2 (TSC2). Identifiers: Orphanet 805, MedGen C1860707, MONDO:0013199, OMIM 613254.

Allele frequency attached by ClinVar (database versions not stated): gnomAD exomes below 0.00001; ExAC 0.00001.

Submissions (2):

Labcorp Genetics (formerly Invitae), Labcorp
Classification: Benign for Tuberous sclerosis 2. Last evaluated: 2026-01-03. Review status: criteria provided, single submitter. Criteria: Invitae Variant Classification Sherloc (09022015). Collection method: clinical testing. Allele origin: germline.

Color Diagnostics, LLC DBA Color Health
Classification: Uncertain significance for Tuberous sclerosis syndrome. Last evaluated: 2025-06-02. Review status: criteria provided, single submitter. Criteria: ACMG Guidelines, 2015. Collection method: clinical testing. Allele origin: germline.
Comment: This missense variant replaces cysteine with serine at codon 800 of the TSC2 protein. Computational prediction suggests that this variant may have deleterious impact on protein structure and function. To our knowledge, functional studies have not been reported for this variant. This variant has not been reported in individuals affected with TSC2-related disorders in the literature. This variant has been identified in 1/250058 chromosomes in the general population by the Genome Aggregation Database (gnomAD). The available evidence is insufficient to determine the role of this variant in disease conclusively. Therefore, this variant is classified as a Variant of Uncertain Significance.

NM_000548.5(TSC2):c.2399G>C (p.Cys800Ser)

Gene: TSC2 (TSC complex subunit 2; plus strand). Cytogenetic location: 16p13.3.
Variant type: single nucleotide variant.
Coding change: c.2399G>C on transcript NM_000548.5 (MANE Select); coding-DNA position 2399, G replaced by C.
Protein change: p.Cys800Ser; replaces cysteine 800 with serine.
Molecular consequence: missense variant.
Genome position (GRCh38, 1-based): chr16:2,074,243, G>C. VCF-style: chr16-2074243-G-C. GRCh37 (hg19) VCF-style: chr16-2124244-G-C.
Other names: c.2399G>C, p.Cys800Ser (NM_001077183.3, NM_001114382.3, NM_001363528.2 and 3 more transcripts); c.2288G>C, p.Cys763Ser (NM_001318827.2); c.2252G>C, p.Cys751Ser (NM_001318829.2); c.1799G>C, p.Cys600Ser (NM_001318831.2); c.2432G>C, p.Cys811Ser (NM_001318832.2); short protein forms C600S, C751S, C800S, C763S, C811S.
Identifiers: ClinVar variation 652438 (VCV000652438.8), dbSNP rs746044783, ClinGen allele CA038900.
Genomic context (GRCh38, chr16:2,074,243, plus strand): 5'-TGTCCTGTCTCCTGCAGCGCGAGATGGTCTACTGCCTGGAGCAGGGCCTCATCCACCGCT[G>C]TGCCAGCCAGTGCGTCGTGGCCTTGTCCATCTGCAGCGTGGAGATGCCTGACATCATCAT-3'
Protein context (NP_000539.2, residues 790-810): YCLEQGLIHR[Cys800Ser]ASQCVVALSI